The following is an entry in ClinVar:

ClinVar aggregate classification (germline): Likely benign. Review status: criteria provided, multiple submitters, no conflicts (2 of 4 stars). 4 submissions from 4 submitters: Likely benign (4). Last evaluated 2026-01-13.

Conditions:
Cardiovascular phenotype. Identifiers: MedGen CN230736.
Arrhythmogenic right ventricular cardiomyopathy (ARVD). Also called: Arrhythmogenic cardiomyopathy; Cardiomyopathy, ARVC; Arrhythmogenic right ventricular dysplasia; Arrhythmogenic Right Ventricular Cardiomyopathy (ARVC). Identifiers: Orphanet 247, MedGen C0349788, MeSH D019571, MONDO:0016587. Disease mechanism: loss of function. Inheritance: Various modes of inheritance.
Cardiomyopathy (CMYO). Also called: Cardiomyopathies. Identifiers: Orphanet 167848, MedGen C0878544, MONDO:0004994, HP:0001638. Inheritance: Various modes of inheritance.
Arrhythmogenic right ventricular dysplasia 9 (ARVD9). Also called: Arrhythmogenic Right Ventricular Dysplasia/Cardiomyopathy 9; ARRHYTHMOGENIC RIGHT VENTRICULAR DYSPLASIA, FAMILIAL, 9. Identifiers: MedGen C1836906, MONDO:0012180, OMIM 609040.

Allele frequency attached by ClinVar (database versions not stated): gnomAD exomes 0.00001 and 0.00002; ExAC 0.00002; TOPMed 0.00002; gnomAD 0.00003.
gnomAD v4.1: 22 of 1,613,692 alleles (0.0014%); highest among the groups gnomAD compares: Middle Eastern, 0.016%; no homozygotes.

Submissions (4):

Labcorp Genetics (formerly Invitae), Labcorp
Classification: Likely benign for Arrhythmogenic right ventricular dysplasia 9. Last evaluated: 2026-01-13. Review status: criteria provided, single submitter. Criteria: Invitae Variant Classification Sherloc (09022015). Collection method: clinical testing. Allele origin: germline.

All of Us Research Program, National Institutes of Health
Classification: Likely benign for Arrhythmogenic right ventricular cardiomyopathy. Last evaluated: 2023-11-20. Review status: criteria provided, single submitter. Criteria: ACMG Guidelines, 2015. Collection method: clinical testing. Allele origin: germline. Inheritance: Autosomal dominant inheritance. Observed: 5 variant alleles, 5 heterozygotes.
Comment: This study involves interpretation of variants in research participants for the purpose of population health screening. Participant phenotype was not available at the time of variant classification. Additional details can be found in publication PMID: 35346344, PMCID: PMC8962531

Ambry Genetics
Classification: Likely benign for Cardiovascular phenotype. Last evaluated: 2023-06-17. Review status: criteria provided, single submitter. Criteria: Ambry Variant Classification Scheme 2023. Collection method: clinical testing. Allele origin: germline.

Color Diagnostics, LLC DBA Color Health
Classification: Likely benign for Cardiomyopathy. Last evaluated: 2018-11-08. Review status: criteria provided, single submitter. Criteria: ACMG Guidelines, 2015. Collection method: clinical testing. Allele origin: germline.

NM_001005242.3(PKP2):c.591C>T (p.Ser197=)

Gene: PKP2 (plakophilin 2; minus strand). Cytogenetic location: 12p11.21.
Variant type: single nucleotide variant.
Coding change: c.591C>T on transcript NM_001005242.3 (MANE Select); coding-DNA position 591, C replaced by T.
Protein change: p.Ser197=; no amino-acid change (serine 197 retained).
Molecular consequence: synonymous variant.
Genome position (GRCh38, 1-based): chr12:32,878,289, G>A on the plus strand (C>T on the coding strand, the complement: PKP2 is on the minus strand). VCF-style: chr12-32878289-G-A. GRCh37 (hg19) VCF-style: chr12-33031223-G-A.
Other names: c.591C>T, p.Ser197= (NM_004572.4).
Identifiers: ClinVar variation 921146 (VCV000921146.12), dbSNP rs769438623, ClinGen allele CA038115.